The following is an entry in ClinVar:

NC_000004.11:g.(?_77082866)_(77102264_?)del

Gene: SCARB2 (scavenger receptor class B member 2; minus strand). Cytogenetic location: 4q21.1.
Variant type: Deletion.
Identifiers: ClinVar variation 1047138 (VCV001047138.3).

ClinVar aggregate classification (germline): Uncertain significance (1 of 4 stars; one submission).

Conditions:
Progressive myoclonic epilepsy. Also called: Familial progressive myoclonic epilepsy; Myoclonus epilepsy; Progressive myoclonus epilepsy; Myoclonic Epilepsies, Progressive. Identifiers: Orphanet 308, Orphanet 98261, MedGen C0751778, MONDO:0020074.

Submission:

Labcorp Genetics (formerly Invitae), Labcorp
Classification: Uncertain significance for Progressive myoclonic epilepsy. Last evaluated: 2020-09-01. Review status: criteria provided, single submitter. Criteria: Invitae Variant Classification Sherloc (09022015). Collection method: clinical testing. Allele origin: germline.
Comment: This variant is a gross deletion of the genomic region encompassing exon(s) 3-12 of the SCARB2 gene. The 5' boundary is likely confined to intron 2. The 3' end of this event is unknown as it extends through the termination codon beyond the assayed region for this gene and may encompass additional genes. While this deletion is not anticipated to result in nonsense mediated decay, it is expected to create a truncated protein product or disrupt mRNA translation. In summary, the available evidence is currently insufficient to determine the role of this variant in disease. Therefore, it has been classified as a Variant of Uncertain Significance. Experimental studies and prediction algorithms are not available or were not evaluated, and the functional significance of this variant is currently unknown. This variant has not been reported in the literature in individuals with SCARB2-related conditions.